The following is an entry in ClinVar:

ClinVar aggregate classification (germline): Uncertain significance (1 of 4 stars; one submission).

Conditions:
Renal coloboma syndrome (PAPRS). Also called: PAPILLORENAL SYNDROME WITH MILD OCULAR ABNORMALITIES; CONGENITAL ANOMALIES OF THE KIDNEY AND URINARY TRACT WITH OR WITHOUT OCULAR ABNORMALITIES; CAKUT WITH OR WITHOUT OCULAR ABNORMALITIES; PAPILLORENAL SYNDROME; COLOBOMA OF OPTIC NERVE WITH RENAL DISEASE; OPTIC COLOBOMA, VESICOURETERAL REFLUX, AND RENAL ANOMALIES. Identifiers: Orphanet 1475, MedGen C1852759, MONDO:0007352, OMIM 120330.
Focal segmental glomerulosclerosis 7 (FSGS7). Identifiers: MONDO:0014451, OMIM 616002, Orphanet 656, MedGen C4014925.

Allele frequency attached by ClinVar (database versions not stated): gnomAD 0.00001; TOPMed 0.00001.
gnomAD v4.1: 7 of 1,614,020 alleles (0.00043%); highest among the groups gnomAD compares: Non-Finnish European, 0.00059%; no homozygotes.

Submission:

Labcorp Genetics (formerly Invitae), Labcorp
Classification: Uncertain significance for Renal coloboma syndrome; Focal segmental glomerulosclerosis 7. Last evaluated: 2022-03-10. Review status: criteria provided, single submitter. Criteria: Invitae Variant Classification Sherloc (09022015). Collection method: clinical testing. Allele origin: germline.
Comment: This variant is not present in population databases (gnomAD no frequency). This sequence change replaces methionine with threonine at codon 351 of the PAX2 protein (p.Met351Thr). The methionine residue is weakly conserved and there is a moderate physicochemical difference between methionine and threonine. This variant has not been reported in the literature in individuals affected with PAX2-related conditions. In summary, the available evidence is currently insufficient to determine the role of this variant in disease. Therefore, it has been classified as a Variant of Uncertain Significance. Experimental studies and prediction algorithms are not available or were not evaluated, and the functional significance of this variant is currently unknown.

NM_000278.5(PAX2):c.1021+183T>C

Gene: PAX2 (paired box 2; plus strand). Cytogenetic location: 10q24.31.
Variant type: single nucleotide variant.
Coding change: c.1021+183T>C on transcript NM_000278.5 (MANE Select); 183 bases into the intron after coding-DNA position 1021, T replaced by C.
Molecular consequence: intron variant. On other transcripts: missense variant (1).
Genome position (GRCh38, 1-based): chr10:100,824,932, T>C. VCF-style: chr10-100824932-T-C. GRCh37 (hg19) VCF-style: chr10-102584689-T-C.
Other names: c.1052T>C, p.Met351Thr (NM_003988.5); c.1114+183T>C (NM_001304569.2); c.1090+183T>C (NM_003987.5, NM_003990.5); c.1021+183T>C (NM_003989.5); short protein forms M351T.
Identifiers: ClinVar variation 1485320 (VCV001485320.6), dbSNP rs1211217411, ClinGen allele CA378259790.